The following is an entry in ClinVar:

ClinVar aggregate classification (germline): Uncertain significance. Review status: criteria provided, multiple submitters, no conflicts (2 of 4 stars). 2 submissions from 2 submitters: Uncertain significance (2). Last evaluated 2025-07-07.

Submissions (2):

Dasa
Classification: Uncertain significance. Last evaluated: 2025-07-07. Review status: criteria provided, single submitter. Criteria: DASA Assertion Criteria. Collection method: clinical testing. Allele origin: germline.
Comment: NM_014698.3(TMEM63A):c.952-9T>G is a splice-region variant. This variant is absent from population databases. Computational prediction algorithms are consistent with a benign effect. The currently available literature and clinical evidence are not sufficient to establish a definitive association between this variant and the reported condition. Therefore, this variant is classified as a variant of uncertain significance.

Laboratorio de Genetica e Diagnostico Molecular, Hospital Israelita Albert Einstein
Classification: Uncertain significance. Last evaluated: 2021-05-11. Review status: criteria provided, single submitter. Criteria: ACMG Guidelines, 2015. Collection method: clinical testing. Allele origin: germline. Affected: yes.
Comment: ACMG classification criteria: PM2

NM_014698.3(TMEM63A):c.952-9T>G

Gene: TMEM63A (transmembrane protein 63A; minus strand). Cytogenetic location: 1q42.12.
Variant type: single nucleotide variant.
Coding change: c.952-9T>G on transcript NM_014698.3 (MANE Select); 9 bases into the intron before coding-DNA position 952, T replaced by G.
Molecular consequence: intron variant.
Genome position (GRCh38, 1-based): chr1:225,862,360, A>C on the plus strand (T>G on the coding strand, the complement: TMEM63A is on the minus strand). VCF-style: chr1-225862360-A-C. GRCh37 (hg19) VCF-style: chr1-226050060-A-C.
Identifiers: ClinVar variation 1690631 (VCV001690631.4), dbSNP rs1176031079, ClinGen allele CA732255421.